The following is an entry in ClinVar:

NM_001184.4(ATR):c.463G>C (p.Asp155His)

Gene: ATR (ATR checkpoint kinase; minus strand). Cytogenetic location: 3q23.
Variant type: single nucleotide variant.
Coding change: c.463G>C on transcript NM_001184.4 (MANE Select); coding-DNA position 463, G replaced by C.
Protein change: p.Asp155His; replaces aspartic acid 155 with histidine.
Molecular consequence: missense variant.
Genome position (GRCh38, 1-based): chr3:142,562,939, C>G on the plus strand (G>C on the coding strand, the complement: ATR is on the minus strand). VCF-style: chr3-142562939-C-G. GRCh37 (hg19) VCF-style: chr3-142281781-C-G.
Other names: c.463G>C, p.Asp155His (NM_001354579.2); short protein forms D155H.
Identifiers: ClinVar variation 1436670 (VCV001436670.6), dbSNP rs2108488524, ClinGen allele CA354826871.

ClinVar aggregate classification (germline): Uncertain significance (1 of 4 stars; one submission).

Submission:

Labcorp Genetics (formerly Invitae), Labcorp
Classification: Uncertain significance. Last evaluated: 2021-07-28. Review status: criteria provided, single submitter. Criteria: Invitae Variant Classification Sherloc (09022015). Collection method: clinical testing. Allele origin: germline.
Comment: This sequence change replaces aspartic acid with histidine at codon 155 of the ATR protein (p.Asp155His). The aspartic acid residue is moderately conserved and there is a moderate physicochemical difference between aspartic acid and histidine. In summary, the available evidence is currently insufficient to determine the role of this variant in disease. Therefore, it has been classified as a Variant of Uncertain Significance. Algorithms developed to predict the effect of missense changes on protein structure and function are either unavailable or do not agree on the potential impact of this missense change (SIFT: "Deleterious"; PolyPhen-2: "Probably Damaging"; Align-GVGD: "Class C0"). This variant has not been reported in the literature in individuals affected with ATR-related conditions. This variant is not present in population databases (ExAC no frequency).